The following is an entry in ClinVar:

ClinVar aggregate classification (germline): Uncertain significance (1 of 4 stars; one submission).

Conditions:
Beckwith-Wiedemann syndrome (BWS). Also called: Exomphalos macroglossia gigantism syndrome; EMG SYNDROME. Identifiers: Orphanet 116, MedGen C0004903, MONDO:0007534, OMIM 130650.

Submission:

Labcorp Genetics (formerly Invitae), Labcorp
Classification: Uncertain significance for Beckwith-Wiedemann syndrome. Last evaluated: 2025-03-05. Review status: criteria provided, single submitter. Criteria: Invitae Variant Classification Sherloc (09022015). Collection method: clinical testing. Allele origin: germline.
Comment: This sequence change replaces alanine, which is neutral and non-polar, with threonine, which is neutral and polar, at codon 215 of the CDKN1C protein (p.Ala215Thr). This variant is not present in population databases (gnomAD no frequency). This variant has not been reported in the literature in individuals affected with CDKN1C-related conditions. Invitae Evidence Modeling of protein sequence and biophysical properties (such as structural, functional, and spatial information, amino acid conservation, physicochemical variation, residue mobility, and thermodynamic stability) indicates that this missense variant is not expected to disrupt CDKN1C protein function with a negative predictive value of 80%. In summary, the available evidence is currently insufficient to determine the role of this variant in disease. Therefore, it has been classified as a Variant of Uncertain Significance.

NM_001122630.2(CDKN1C):c.610G>A (p.Ala204Thr)

Gene: CDKN1C (cyclin dependent kinase inhibitor 1C; minus strand). Cytogenetic location: 11p15.4.
Variant type: single nucleotide variant.
Coding change: c.610G>A on transcript NM_001122630.2 (MANE Select); coding-DNA position 610, G replaced by A.
Protein change: p.Ala204Thr; replaces alanine 204 with threonine.
Molecular consequence: missense variant. On other transcripts: intron variant (1).
Genome position (GRCh38, 1-based): chr11:2,884,847, C>T on the plus strand (G>A on the coding strand, the complement: CDKN1C is on the minus strand). VCF-style: chr11-2884847-C-T. GRCh37 (hg19) VCF-style: chr11-2906077-C-T.
Other names: c.643G>A, p.Ala215Thr (NM_000076.2, NM_001362474.2); c.610G>A, p.Ala204Thr (NM_001122631.2); c.255+355G>A (NM_001362475.2); short protein forms A204T, A215T.
Identifiers: ClinVar variation 4810956 (VCV004810956.1).